The following is an entry in ClinVar:

ClinVar aggregate classification (germline): Likely pathogenic. Review status: criteria provided, multiple submitters, no conflicts (2 of 4 stars). 3 submissions from 3 submitters: Likely pathogenic (2). 1 of the submissions does not count toward it. Last evaluated 2025-03-31.

Conditions:
X-linked Alport syndrome (ATS1). Also called: COL4A5-Related Nephropathy; NEPHROPATHY AND DEAFNESS, X-LINKED. Identifiers: Orphanet 63, Orphanet 88917, MedGen C4746986, MONDO:0010520, OMIM 301050.

Submissions (3):

Labcorp Genetics (formerly Invitae), Labcorp
Classification: Likely pathogenic. Last evaluated: 2025-03-31. Review status: criteria provided, single submitter. Criteria: Invitae Variant Classification Sherloc (09022015). Collection method: clinical testing. Allele origin: germline.
Comment: This sequence change falls in intron 12 of the COL4A5 gene. It does not directly change the encoded amino acid sequence of the COL4A5 protein. It affects a nucleotide within the consensus splice site. This variant is not present in population databases (gnomAD no frequency). This variant has been observed in individuals with clinical features of Alport syndrome (PMID: 29270492, 30919572; internal data). It has also been observed to segregate with disease in related individuals. ClinVar contains an entry for this variant (Variation ID: 432038). Variants that disrupt the consensus splice site are a relatively common cause of aberrant splicing (PMID: 17576681, 9536098). Algorithms developed to predict the effect of sequence changes on RNA splicing suggest that this variant may disrupt the consensus splice site. In summary, the currently available evidence indicates that the variant is pathogenic, but additional data are needed to prove that conclusively. Therefore, this variant has been classified as Likely Pathogenic.

GeneDx
Classification: Likely pathogenic. Last evaluated: 2016-01-14. Review status: criteria provided, single submitter. Criteria: GeneDx Variant Classification (06012015). Collection method: clinical testing. Allele origin: germline. Affected: yes.
Comment: The c.687+5G>A variant in the COL4A5 gene has not been reported previously as a pathogenic variant nor as a benign variant, to our knowledge. This variant is predicted to damage or destroy the natural splice donor site in intron 12, and is expected to cause abnormal gene splicing. However, in the absence of RNA/functional studies, the actual effect of this sequence change in this individual is unknown. The c.687+5G>A variant was not observed in approximately 6,500 individuals of European and African American ancestry in the NHLBI Exome Sequencing Project, indicating it is not a common benign variant in these populations. The c.687+5G>A variant is a strong candidate for a pathogenic variant however, the possibility it may be a rare benign variant cannot be excluded

Counsyl
Classification: Uncertain significance for X-linked Alport syndrome. Last evaluated: 2017-09-29. Review status: no assertion criteria provided. Collection method: clinical testing. Allele origin: unknown. Not counted in ClinVar's aggregate classification.

Literature cited by the submitters: PubMed 29270492 (cited by Labcorp Genetics (formerly Invitae), Labcorp); PubMed 30919572 (cited by Labcorp Genetics (formerly Invitae), Labcorp); PubMed 17576681 (cited by Labcorp Genetics (formerly Invitae), Labcorp); PubMed 9536098 (cited by Labcorp Genetics (formerly Invitae), Labcorp).

NM_033380.3(COL4A5):c.687+5G>A

Gene: COL4A5 (collagen type IV alpha 5 chain; plus strand). Cytogenetic location: Xq22.3.
Variant type: single nucleotide variant.
Coding change: c.687+5G>A on transcript NM_033380.3 (MANE Select); 5 bases into the intron after coding-DNA position 687, G replaced by A.
Molecular consequence: intron variant.
Genome position (GRCh38, 1-based): chrX:108,578,124, G>A. VCF-style: chrX-108578124-G-A. GRCh37 (hg19) VCF-style: chrX-107821354-G-A.
Other names: c.687+5G>A (NM_000495.5).
Identifiers: ClinVar variation 432038 (VCV000432038.9), dbSNP rs1556405930, ClinGen allele CA645372689.